The following is an entry in ClinVar:

ClinVar aggregate classification (germline): Conflicting classifications of pathogenicity. Review status: criteria provided, conflicting classifications (1 of 4 stars). 7 submissions from 7 submitters: Uncertain significance (5); Likely benign (2). Last evaluated 2026-04-01.

Conditions:
Nephronophthisis. Also called: Juvenile Nephronophthisis. Identifiers: Orphanet 655, MedGen C0687120, MONDO:0019005, HP:0000090.
NPHP4-related disorder. Also called: NPHP4-related disorders; NPHP4-related condition. Identifiers: MedGen CN239384.
Inborn genetic diseases. Identifiers: MedGen C0950123, MeSH D030342.
Senior-Loken syndrome 4 (SLSN4). Identifiers: Orphanet 3156, MedGen C1846979, MONDO:0011756, OMIM 606996.
Nephronophthisis 4 (NPHP4). Also called: NEPHRONOPHTHISIS 4, JUVENILE. Identifiers: Orphanet 655, MedGen C1847013, MONDO:0011752, OMIM 606966.

Allele frequency attached by ClinVar (database versions not stated): ExAC 0.00005; gnomAD exomes 0.00006 and 0.00007; ESP Exome Variant Server 0.00008; TOPMed 0.00013; gnomAD 0.00015 and 0.00016.
gnomAD v4.1: 123 of 1,613,794 alleles (0.0076%); highest among the groups gnomAD compares: African/African-American, 0.04%; no homozygotes.

Submissions (7):

PreventionGenetics, part of Exact Sciences
Classification: Uncertain significance for NPHP4-related condition. Last evaluated: 2026-04-01. Review status: criteria provided, single submitter. Criteria: ACMG Guidelines, 2015. Collection method: clinical testing. Allele origin: germline.
Comment: The NPHP4 c.1048G>A variant is predicted to result in the amino acid substitution p.Gly350Ser. To our knowledge, this variant has not been reported in the literature. This variant is reported in 0.045% of alleles in individuals of African descent in gnomAD. At this time, the clinical significance of this variant is uncertain due to the absence of conclusive functional and genetic evidence.

Mayo Clinic Laboratories, Mayo Clinic
Classification: Uncertain significance. Last evaluated: 2024-12-24. Review status: criteria provided, single submitter. Criteria: ACMG Guidelines, 2015. Collection method: clinical testing. Allele origin: germline. Observed: 1 variant allele.
Comment: BP4, PM2_supporting

Ambry Genetics
Classification: Likely benign for Inborn genetic diseases. Last evaluated: 2024-07-14. Review status: criteria provided, single submitter. Criteria: Ambry Variant Classification Scheme 2023. Collection method: clinical testing. Allele origin: germline.

Fulgent Genetics
Classification: Uncertain significance for Nephronophthisis 4; Senior-Loken syndrome 4. Last evaluated: 2024-04-17. Review status: criteria provided, single submitter. Criteria: ACMG Guidelines, 2015. Collection method: clinical testing. Allele origin: germline.

Labcorp Genetics (formerly Invitae), Labcorp
Classification: Uncertain significance for Nephronophthisis. Last evaluated: 2022-08-22. Review status: criteria provided, single submitter. Criteria: Invitae Variant Classification Sherloc (09022015). Collection method: clinical testing. Allele origin: germline.
Comment: This sequence change replaces glycine, which is neutral and non-polar, with serine, which is neutral and polar, at codon 350 of the NPHP4 protein (p.Gly350Ser). This variant is present in population databases (rs377155892, gnomAD 0.05%). This variant has not been reported in the literature in individuals affected with NPHP4-related conditions. ClinVar contains an entry for this variant (Variation ID: 288723). Algorithms developed to predict the effect of missense changes on protein structure and function output the following: SIFT: "Tolerated"; PolyPhen-2: "Benign"; Align-GVGD: "Class C0". The serine amino acid residue is found in multiple mammalian species, which suggests that this missense change does not adversely affect protein function. Algorithms developed to predict the effect of sequence changes on RNA splicing suggest that this variant may create or strengthen a splice site. In summary, the available evidence is currently insufficient to determine the role of this variant in disease. Therefore, it has been classified as a Variant of Uncertain Significance.

Blueprint Genetics
Classification: Likely benign. Last evaluated: 2022-06-09. Review status: criteria provided, single submitter. Criteria: ACMG Guidelines, 2015. Collection method: clinical testing. Allele origin: germline.

Eurofins Ntd Llc (ga)
Classification: Uncertain significance. Last evaluated: 2017-08-11. Review status: criteria provided, single submitter. Criteria: EGL Classification Definitions 2015. Collection method: clinical testing. Allele origin: germline. Observed: 2 variant alleles, 2 heterozygotes.

NM_015102.5(NPHP4):c.1048G>A (p.Gly350Ser)

Gene: NPHP4 (nephrocystin 4; minus strand). Cytogenetic location: 1p36.31.
Variant type: single nucleotide variant.
Coding change: c.1048G>A on transcript NM_015102.5 (MANE Select); coding-DNA position 1048, G replaced by A.
Protein change: p.Gly350Ser; replaces glycine 350 with serine.
Molecular consequence: missense variant. On other transcripts: 5 prime UTR variant (2), non-coding transcript variant (1).
Genome position (GRCh38, 1-based): chr1:5,947,175, C>T on the plus strand (G>A on the coding strand, the complement: NPHP4 is on the minus strand). VCF-style: chr1-5947175-C-T. GRCh37 (hg19) VCF-style: chr1-6007235-C-T.
Other names: p.Gly350Ser; c.-319G>A (NM_001291593.2, NM_001291594.2); c.1048G>A (NM_015102.3); short protein forms G350S.
Identifiers: ClinVar variation 288723 (VCV000288723.15), dbSNP rs377155892, ClinGen allele CA554655.
Genomic context (GRCh38, chr1:5,947,175, plus strand): 5'-CTCCTGCAGGGCTGCTGAACACGTACTCCAGCTGGAAGATGACCGCAAATGCAGGGTGGC[C>T]GACCATCTCTGGGAGGCGGAGGCGGCTTCTCAAAACCAGAGCTTGGCTCCCGGAGCTGGG-3'
Protein context (NP_055917.1, residues 340-360): RSRLRLPEMV[Gly350Ser]HPAFAVIFQL